The following is an entry in ClinVar:

NM_133261.3(GIPC3):c.440G>A (p.Arg147Gln)

Gene: GIPC3 (GIPC PDZ domain containing family member 3; plus strand). Cytogenetic location: 19p13.3.
Variant type: single nucleotide variant.
Coding change: c.440G>A on transcript NM_133261.3 (MANE Select); coding-DNA position 440, G replaced by A.
Protein change: p.Arg147Gln; replaces arginine 147 with glutamine.
Molecular consequence: missense variant.
Genome position (GRCh38, 1-based): chr19:3,586,842, G>A. VCF-style: chr19-3586842-G-A. GRCh37 (hg19) VCF-style: chr19-3586840-G-A.
Other names: short protein forms R147Q.
Identifiers: ClinVar variation 163506 (VCV000163506.14), dbSNP rs141293401, ClinGen allele CA176147.

ClinVar aggregate classification (germline): Conflicting classifications of pathogenicity. Review status: criteria provided, conflicting classifications (1 of 4 stars). 5 submissions from 5 submitters: Uncertain significance (4); Likely benign (1). Last evaluated 2025-01-02.

Conditions:
Inborn genetic diseases. Identifiers: MedGen C0950123, MeSH D030342.

Allele frequency attached by ClinVar (database versions not stated): gnomAD exomes 0.00022 and 0.00027; ExAC 0.00023; ESP Exome Variant Server 0.00023; gnomAD 0.00031; TOPMed 0.00033.
gnomAD v4.1: 458 of 1,613,540 alleles (0.028%); highest among the groups gnomAD compares: Middle Eastern, 0.16%; no homozygotes.

Submissions (5):

Labcorp Genetics (formerly Invitae), Labcorp
Classification: Uncertain significance. Last evaluated: 2025-01-02. Review status: criteria provided, single submitter. Criteria: Invitae Variant Classification Sherloc (09022015). Collection method: clinical testing. Allele origin: germline.
Comment: This sequence change replaces arginine, which is basic and polar, with glutamine, which is neutral and polar, at codon 147 of the GIPC3 protein (p.Arg147Gln). This variant is present in population databases (rs141293401, gnomAD 0.04%). This variant has not been reported in the literature in individuals affected with GIPC3-related conditions. ClinVar contains an entry for this variant (Variation ID: 163506). Invitae Evidence Modeling of protein sequence and biophysical properties (such as structural, functional, and spatial information, amino acid conservation, physicochemical variation, residue mobility, and thermodynamic stability) indicates that this missense variant is not expected to disrupt GIPC3 protein function with a negative predictive value of 80%. In summary, the available evidence is currently insufficient to determine the role of this variant in disease. Therefore, it has been classified as a Variant of Uncertain Significance.

GeneDx
Classification: Uncertain significance. Last evaluated: 2024-12-26. Review status: criteria provided, single submitter. Criteria: GeneDx Variant Classification Process June 2021. Collection method: clinical testing. Allele origin: germline.
Comment: In silico analysis indicates that this missense variant does not alter protein structure/function; Has not been previously published as pathogenic or benign to our knowledge; In silico analysis suggests this variant may impact gene splicing. In the absence of RNA/functional studies, the actual effect of this sequence change is unknown.

Blueprint Genetics
Classification: Uncertain significance. Last evaluated: 2024-09-05. Review status: criteria provided, single submitter. Criteria: ACMG Guidelines, 2015. Collection method: clinical testing. Allele origin: germline.

Ambry Genetics
Classification: Uncertain significance for Inborn genetic diseases. Last evaluated: 2021-10-18. Review status: criteria provided, single submitter. Criteria: Ambry Variant Classification Scheme 2023. Collection method: clinical testing. Allele origin: germline.

Laboratory for Molecular Medicine, Mass General Brigham Personalized Medicine
Classification: Likely benign. Last evaluated: 2016-06-02. Review status: criteria provided, single submitter. Criteria: LMM Criteria. Collection method: clinical testing. Allele origin: germline. Observed: 3 variant alleles.
Comment: p.Arg147Gln in exon 03 GIPC3: This variant is not expected to have clinical sign ificance because several lower species (zebrafish, stickleback, and medaka) carr y a glutamine (Gln) at this position. It has also been identified in 24/65122 ch romosomes by the Exome Aggregation Consortium (ExAC. org; dbSNP rs141293401).